The following is an entry in ClinVar:

NM_000551.4(VHL):c.98C>T (p.Ser33Leu)

Gene: VHL (von Hippel-Lindau tumor suppressor; plus strand). Cytogenetic location: 3p25.3.
Variant type: single nucleotide variant.
Coding change: c.98C>T on transcript NM_000551.4 (MANE Select); coding-DNA position 98, C replaced by T.
Protein change: p.Ser33Leu; replaces serine 33 with leucine.
Molecular consequence: missense variant.
Genome position (GRCh38, 1-based): chr3:10,141,945, C>T. VCF-style: chr3-10141945-C-T. GRCh37 (hg19) VCF-style: chr3-10183629-C-T.
Other names: c.98C>T, p.Ser33Leu (NM_001354723.2, NM_198156.3); short protein forms S33L.
Identifiers: ClinVar variation 1025348 (VCV001025348.15), dbSNP rs1476994915, ClinGen allele CA351747655.

ClinVar aggregate classification (germline): Uncertain significance. Review status: criteria provided, multiple submitters, no conflicts (2 of 4 stars). 5 submissions from 5 submitters: Uncertain significance (5). Last evaluated 2024-11-18.

Conditions:
Von Hippel-Lindau syndrome (VHLS). Also called: Von Hippel-Lindau; von Hippel–Lindau syndrome; VHL syndrome. Identifiers: Orphanet 892, MedGen C0019562, MONDO:0008667, OMIM 193300. Disease mechanism: loss of function.
Chuvash polycythemia. Also called: POLYCYTHEMIA, VHL-DEPENDENT. Identifiers: Orphanet 238557, MedGen C1837915, MONDO:0009892, OMIM 263400.
Hereditary cancer-predisposing syndrome. Also called: Hereditary neoplastic syndrome; Neoplastic Syndromes, Hereditary; Tumor predisposition; Hereditary Cancer Syndrome. Identifiers: Orphanet 140162, MedGen C0027672, MeSH D009386, MONDO:0015356.

Allele frequency attached by ClinVar (database versions not stated): gnomAD 0.00001.
gnomAD v4.1: 2 of 1,541,916 alleles (0.00013%); highest among the groups gnomAD compares: African/African-American, 0.0028%; no homozygotes.

Submissions (5):

Ambry Genetics
Classification: Uncertain significance for Hereditary cancer-predisposing syndrome. Last evaluated: 2024-11-18. Review status: criteria provided, single submitter. Criteria: Ambry Variant Classification Scheme 2023. Collection method: clinical testing. Allele origin: germline.
Comment: The p.S33L variant (also known as c.98C>T), located in coding exon 1 of the VHL gene, results from a C to T substitution at nucleotide position 98. The serine at codon 33 is replaced by leucine, an amino acid with dissimilar properties. This amino acid position is not well conserved in available vertebrate species. In addition, this alteration is predicted to be tolerated by in silico analysis. Based on the available evidence, the clinical significance of this variant remains unclear.

Labcorp Genetics (formerly Invitae), Labcorp
Classification: Uncertain significance for Von Hippel-Lindau syndrome; Chuvash polycythemia. Last evaluated: 2024-09-30. Review status: criteria provided, single submitter. Criteria: Invitae Variant Classification Sherloc (09022015). Collection method: clinical testing. Allele origin: germline.
Comment: This sequence change replaces serine, which is neutral and polar, with leucine, which is neutral and non-polar, at codon 33 of the VHL protein (p.Ser33Leu). This variant is present in population databases (no rsID available, gnomAD 0.01%). This variant has not been reported in the literature in individuals affected with VHL-related conditions. ClinVar contains an entry for this variant (Variation ID: 1025348). Invitae Evidence Modeling of protein sequence and biophysical properties (such as structural, functional, and spatial information, amino acid conservation, physicochemical variation, residue mobility, and thermodynamic stability) indicates that this missense variant is not expected to disrupt VHL protein function with a negative predictive value of 95%. In summary, the available evidence is currently insufficient to determine the role of this variant in disease. Therefore, it has been classified as a Variant of Uncertain Significance.

Baylor Genetics
Classification: Uncertain significance for Chuvash polycythemia. Last evaluated: 2023-06-25. Review status: criteria provided, single submitter. Criteria: ACMG Guidelines, 2015. Collection method: clinical testing. Allele origin: unknown.

All of Us Research Program, National Institutes of Health
Classification: Uncertain significance for Von Hippel-Lindau syndrome. Last evaluated: 2023-04-27. Review status: criteria provided, single submitter. Criteria: ACMG Guidelines, 2015. Collection method: clinical testing. Allele origin: germline. Inheritance: Autosomal dominant inheritance. Observed: 1 variant allele, 1 heterozygote.
Comment: This study involves interpretation of variants in research participants for the purpose of population health screening. Participant phenotype was not available at the time of variant classification. Additional details can be found in publication PMID: 35346344, PMCID: PMC8962531

Sema4
Classification: Uncertain significance for Hereditary cancer-predisposing syndrome. Last evaluated: 2021-05-30. Review status: criteria provided, single submitter. Criteria: Sema4 Curation Guidelines. Collection method: curation. Allele origin: germline.
Comment: The VHL c.98C>T (p.S33L) variant has not been reported in the literature to our knowledge. It was observed in 1/8692 chromosomes of the African/African American subpopulation in the large and broad cohorts of the Genome Aggregation Database (PMID: 32461654). The variant has been reported in ClinVar (Variation ID 1025348). In silico tools suggest the impact of the variant on protein function is inconclusive, though these predictions have not been confirmed by functional studies. The evidence is insufficient to meet ACMG/AMP criteria for classifying the variant as benign or pathogenic. Thus, the clinical significance of this variant is currently uncertain.